The following is an entry in ClinVar:

ClinVar aggregate classification (germline): Uncertain significance (1 of 4 stars; one submission).

Allele frequency attached by ClinVar (database versions not stated): TOPMed below 0.00001; gnomAD 0.00001; gnomAD exomes 0.00001.
gnomAD v4.1: 15 of 1,613,990 alleles (0.00093%); highest among the groups gnomAD compares: East Asian, 0.0022%; no homozygotes.

Submission:

Labcorp Genetics (formerly Invitae), Labcorp
Classification: Uncertain significance. Last evaluated: 2023-05-08. Review status: criteria provided, single submitter. Criteria: Invitae Variant Classification Sherloc (09022015). Collection method: clinical testing. Allele origin: germline.
Comment: In summary, the available evidence is currently insufficient to determine the role of this variant in disease. Therefore, it has been classified as a Variant of Uncertain Significance. This sequence change affects a donor splice site in intron 22 of the ADAMTS18 gene. While this variant is not anticipated to result in nonsense mediated decay, it likely alters RNA splicing and results in a disrupted protein product. This variant is present in population databases (no rsID available, gnomAD 0.0009%). This variant has not been reported in the literature in individuals affected with ADAMTS18-related conditions. ClinVar contains an entry for this variant (Variation ID: 2042524). Variants that disrupt the consensus splice site are a relatively common cause of aberrant splicing (PMID: 17576681, 9536098). Algorithms developed to predict the effect of sequence changes on RNA splicing suggest that this variant may disrupt the consensus splice site.

Literature cited by the submitters: PubMed 17576681; PubMed 9536098.

NM_199355.4(ADAMTS18):c.3550+1G>A

Genes: ADAMTS18 (ADAM metallopeptidase with thrombospondin type 1 motif 18; minus strand), LOC126862407 (CDK7 strongly-dependent group 2 enhancer GRCh37_chr16:77322970-77324169; plus strand). Cytogenetic location: 16q23.1.
Variant type: single nucleotide variant.
Coding change: c.3550+1G>A on transcript NM_199355.4 (MANE Select); the canonical splice donor site of the intron after coding-DNA position 3550, G replaced by A.
Molecular consequence: splice donor variant.
Genome position (GRCh38, 1-based): chr16:77,289,263, C>T on the plus strand (G>A on the coding strand, the complement: ADAMTS18 is on the minus strand). VCF-style: chr16-77289263-C-T. GRCh37 (hg19) VCF-style: chr16-77323160-C-T.
Other names: c.3034+1G>A (NM_001326358.2).
Identifiers: ClinVar variation 2042524 (VCV002042524.3), dbSNP rs1315938083, ClinGen allele CA396830288.
Genomic context (GRCh38, chr16:77,289,263, plus strand): 5'-TAGCCTTTGAAAAAATTATCTAAAGACTAGTAAAGTTGACTGGAGCATGGTGCCTTTTTA[C>T]CTCTCTTTTCAGGAGCTGGACAGAAGTTTGTATTACAGGCTCGTAGCACCGGAGGTTTCT-3'